The following is an entry in ClinVar:

NM_000051.4(ATM):c.5073T>G (p.Ser1691Arg)

Gene: ATM (ATM serine/threonine kinase; plus strand). Cytogenetic location: 11q22.3.
Variant type: single nucleotide variant.
Coding change: c.5073T>G on transcript NM_000051.4 (MANE Select); coding-DNA position 5073, T replaced by G.
Protein change: p.Ser1691Arg; replaces serine 1691 with arginine.
Molecular consequence: missense variant.
Genome position (GRCh38, 1-based): chr11:108,299,781, T>G. VCF-style: chr11-108299781-T-G. GRCh37 (hg19) VCF-style: chr11-108170508-T-G.
Other names: c.5073T>G, p.Ser1691Arg (NM_001351834.2); short protein forms S1691R.
Identifiers: ClinVar variation 1745168 (VCV001745168.2), dbSNP rs2546964613, ClinGen allele CA382540576.

ClinVar aggregate classification (germline): Uncertain significance (1 of 4 stars; one submission).

Conditions:
Hereditary cancer-predisposing syndrome. Also called: Hereditary Cancer Syndrome; Neoplastic Syndromes, Hereditary; Tumor predisposition; Hereditary neoplastic syndrome. Identifiers: Orphanet 140162, MedGen C0027672, MeSH D009386, MONDO:0015356.

Submission:

Ambry Genetics
Classification: Uncertain significance for Hereditary cancer-predisposing syndrome. Last evaluated: 2022-03-25. Review status: criteria provided, single submitter. Criteria: Ambry Variant Classification Scheme 2023. Collection method: clinical testing. Allele origin: germline.
Comment: The p.S1691R variant (also known as c.5073T>G), located in coding exon 33 of the ATM gene, results from a T to G substitution at nucleotide position 5073. The serine at codon 1691 is replaced by arginine, an amino acid with dissimilar properties. This amino acid position is conserved. In addition, this alteration is predicted to be tolerated by in silico analysis. Since supporting evidence is limited at this time, the clinical significance of this alteration remains unclear.